The following is an entry in ClinVar:

ClinVar aggregate classification (germline): Uncertain significance (1 of 4 stars; one submission).

Submission:

GeneDx
Classification: Uncertain significance. Last evaluated: 2024-12-07. Review status: criteria provided, single submitter. Criteria: GeneDx Variant Classification Process June 2021. Collection method: clinical testing. Allele origin: germline. Affected: yes.
Comment: Has not been previously published as pathogenic or benign to our knowledge; Not observed at significant frequency in large population cohorts (gnomAD); In silico analysis supports that this missense variant has a deleterious effect on protein structure/function

NM_001291415.2(KDM6A):c.373G>C (p.Asp125His)

Gene: KDM6A (lysine demethylase 6A; plus strand). Cytogenetic location: Xp11.3.
Variant type: single nucleotide variant.
Coding change: c.373G>C on transcript NM_001291415.2 (MANE Select); coding-DNA position 373, G replaced by C.
Protein change: p.Asp125His; replaces aspartic acid 125 with histidine.
Molecular consequence: missense variant. On other transcripts: 5 prime UTR variant (1), non-coding transcript variant (1).
Genome position (GRCh38, 1-based): chrX:44,974,704, G>C. VCF-style: chrX-44974704-G-C. GRCh37 (hg19) VCF-style: chrX-44833949-G-C.
Other names: c.373G>C, p.Asp125His (NM_001291416.2, NM_001291417.2, NM_001291418.2 and 9 more transcripts); c.-260G>C (NM_001291421.2); short protein forms D125H.
Identifiers: ClinVar variation 3903362 (VCV003903362.1).
Genomic context (GRCh38, chrX:44,974,704, plus strand): 5'-CTCATAATTATTTTCCTTTCAGCATTATCTGCATACCAGAGGTACTACAGTTTACAGTCT[G>C]ACTACTGGAAGGTTAGTGTACATTTGCATGCTGATTTCATGTTTGTGTTTTGGGCAGATT-3'
Protein context (NP_001278344.1, residues 115-135): AYQRYYSLQS[Asp125His]YWKNAAFLYG